The following is an entry in ClinVar:

ClinVar aggregate classification (germline): Uncertain significance (1 of 4 stars; one submission).

Submission:

Labcorp Genetics (formerly Invitae), Labcorp
Classification: Uncertain significance. Last evaluated: 2025-06-13. Review status: criteria provided, single submitter. Criteria: Invitae Variant Classification Sherloc (09022015). Collection method: clinical testing. Allele origin: germline.
Comment: This sequence change replaces arginine, which is basic and polar, with cysteine, which is neutral and slightly polar, at codon 122 of the KRT2 protein (p.Arg122Cys). This variant is present in population databases (rs530180060, gnomAD 0.03%). This variant has not been reported in the literature in individuals affected with KRT2-related conditions. Invitae Evidence Modeling of protein sequence and biophysical properties (such as structural, functional, and spatial information, amino acid conservation, physicochemical variation, residue mobility, and thermodynamic stability) indicates that this missense variant is not expected to disrupt KRT2 protein function with a negative predictive value of 80%. In summary, the available evidence is currently insufficient to determine the role of this variant in disease. Therefore, it has been classified as a Variant of Uncertain Significance.

NM_000423.3(KRT2):c.364C>T (p.Arg122Cys)

Gene: KRT2 (keratin 2; minus strand). Cytogenetic location: 12q13.13.
Variant type: single nucleotide variant.
Coding change: c.364C>T on transcript NM_000423.3 (MANE Select); coding-DNA position 364, C replaced by T.
Protein change: p.Arg122Cys; replaces arginine 122 with cysteine.
Molecular consequence: missense variant.
Genome position (GRCh38, 1-based): chr12:52,651,779, G>A on the plus strand (C>T on the coding strand, the complement: KRT2 is on the minus strand). VCF-style: chr12-52651779-G-A. GRCh37 (hg19) VCF-style: chr12-53045563-G-A.
Other names: short protein forms R122C.
Identifiers: ClinVar variation 4799719 (VCV004799719.1).